The following is an entry in ClinVar:

ClinVar aggregate classification (germline): Benign. Review status: criteria provided, multiple submitters, no conflicts (2 of 4 stars). 2 submissions from 2 submitters: Benign (2). Last evaluated 2018-06-16.

Allele frequency attached by ClinVar (database versions not stated): TOPMed 0.17864; 1000 Genomes Project 30x 0.18129; 1000 Genomes Project 0.18610.
gnomAD v4.1: 232,433 of 1,139,312 alleles (20%); highest among the groups gnomAD compares: South Asian, 23%; 24,468 homozygotes.

Submissions (2):

GeneDx
Classification: Benign. Last evaluated: 2018-06-16. Review status: criteria provided, single submitter. Criteria: GeneDx Variant Classification (06012015). Collection method: clinical testing. Allele origin: germline. Affected: yes.
Comment: This variant is considered likely benign or benign based on one or more of the following criteria: it is a conservative change, it occurs at a poorly conserved position in the protein, it is predicted to be benign by multiple in silico algorithms, and/or has population frequency not consistent with disease.

Breakthrough Genomics
Classification: Benign. Review status: criteria provided, single submitter. Criteria: ACMG Guidelines, 2015. Collection method: not provided. Allele origin: germline. Inheritance: Autosomal recessive inheritance. Affected: yes.

NM_007347.4(AP4E1):c.-137A>C

Gene: AP4E1 (adaptor related protein complex 4 subunit epsilon 1; plus strand). Cytogenetic location: 15q21.2.
Variant type: single nucleotide variant.
Coding change: c.-137A>C on transcript NM_007347.4; 137 bases upstream of the start codon, A replaced by C.
Genome position (GRCh38, 1-based): chr15:50,908,642, A>C. VCF-style: chr15-50908642-A-C. GRCh37 (hg19) VCF-style: chr15-51200839-A-C.
Identifiers: ClinVar variation 677998 (VCV000677998.4), dbSNP rs2306329, ClinGen allele CA14201440.